The following is an entry in ClinVar:

NM_144508.5(KNL1):c.6172+2T>C

Gene: KNL1 (kinetochore scaffold 1; plus strand). Cytogenetic location: 15q15.1.
Variant type: single nucleotide variant.
Coding change: c.6172+2T>C on transcript NM_144508.5 (MANE Select); the canonical splice donor site of the intron after coding-DNA position 6172, T replaced by C.
Molecular consequence: splice donor variant.
Genome position (GRCh38, 1-based): chr15:40,650,380, T>C. VCF-style: chr15-40650380-T-C. GRCh37 (hg19) VCF-style: chr15-40942578-T-C.
Other names: c.6250+2T>C (NM_170589.5).
Identifiers: ClinVar variation 3357745 (VCV003357745.2).

ClinVar aggregate classification (germline): Likely pathogenic. Review status: criteria provided, single submitter (1 of 4 stars). 2 submissions from 2 submitters: Likely pathogenic (1). 1 of the submissions does not count toward it. Last evaluated 2024-10-22.

Conditions:
KNL1-related disorder. Also called: KNL1-related condition.

gnomAD v4.1: 27 of 1,608,992 alleles (0.0017%); highest among the groups gnomAD compares: Non-Finnish European, 0.0021%; no homozygotes.

Submissions (2):

GeneDx
Classification: Likely pathogenic. Last evaluated: 2024-10-22. Review status: criteria provided, single submitter. Criteria: GeneDx Variant Classification Process June 2021. Collection method: clinical testing. Allele origin: germline. Affected: yes.
Comment: Canonical splice site variant predicted to result in an in-frame loss of the adjacent exon in a gene for which loss of function is a known mechanism of disease; Not observed at significant frequency in large population cohorts (gnomAD); Has not been previously published as pathogenic or benign to our knowledge

PreventionGenetics, part of Exact Sciences
Classification: Uncertain significance for KNL1-related condition. Last evaluated: 2024-04-22. Review status: no assertion criteria provided. Collection method: clinical testing. Allele origin: germline. Not counted in ClinVar's aggregate classification.
Comment: The KNL1 c.6250+2T>C variant is predicted to disrupt the GT donor site and interfere with normal splicing. To our knowledge, this variant has not been reported in the literature. This variant is reported in 0.0016% of alleles in individuals of European (Non-Finnish) descent in gnomAD. Although we suspect that this variant may be pathogenic, at this time, the clinical significance of this variant is uncertain due to the absence of conclusive functional and genetic evidence.